The following is an entry in ClinVar:

ClinVar aggregate classification (germline): Uncertain significance. Review status: criteria provided, multiple submitters, no conflicts (2 of 4 stars). 3 submissions from 3 submitters: Uncertain significance (3). Last evaluated 2025-04-04.

Conditions:
Spongy degeneration of central nervous system. Also called: ACY2 DEFICIENCY; AMINOACYLASE 2 DEFICIENCY; ASP DEFICIENCY; ASPA DEFICIENCY; ASPARTOACYLASE DEFICIENCY; CANAVAN-VAN BOGAERT-BERTRAND DISEASE. Identifiers: Orphanet 141, MedGen C0206307, MONDO:0010079, OMIM 271900.
Inborn genetic diseases. Identifiers: MedGen C0950123, MeSH D030342.

Allele frequency attached by ClinVar (database versions not stated): ExAC 0.00003; TOPMed 0.00007; gnomAD exomes 0.00012; gnomAD 0.00007.
gnomAD v4.1: 185 of 1,613,726 alleles (0.011%); highest among the groups gnomAD compares: Non-Finnish European, 0.015%; no homozygotes.

Submissions (4):

Ambry Genetics
Classification: Uncertain significance for Inborn genetic diseases. Last evaluated: 2025-04-04. Review status: criteria provided, single submitter. Criteria: Ambry Variant Classification Scheme 2023. Collection method: clinical testing. Allele origin: germline.

GeneDx
Classification: Uncertain significance. Last evaluated: 2024-05-09. Review status: criteria provided, single submitter. Criteria: GeneDx Variant Classification Process June 2021. Collection method: clinical testing. Allele origin: germline. Affected: yes.
Comment: Not observed at significant frequency in large population cohorts (gnomAD); In silico analysis indicates that this missense variant does not alter protein structure/function; Has not been previously published as pathogenic or benign to our knowledge

Labcorp Genetics (formerly Invitae), Labcorp
Classification: Uncertain significance for Spongy degeneration of central nervous system. Last evaluated: 2021-09-24. Review status: criteria provided, single submitter. Criteria: Invitae Variant Classification Sherloc (09022015). Collection method: clinical testing. Allele origin: germline.
Comment: This sequence change replaces leucine with phenylalanine at codon 312 of the ASPA protein (p.Leu312Phe). The leucine residue is moderately conserved and there is a small physicochemical difference between leucine and phenylalanine. This variant is present in population databases (rs778770959, ExAC 0.005%). This variant has not been reported in the literature in individuals with ASPA-related conditions. Algorithms developed to predict the effect of missense changes on protein structure and function output the following: SIFT: "Tolerated"; PolyPhen-2: "Benign"; Align-GVGD: "Class C0". The phenylalanine amino acid residue is found in multiple mammalian species, suggesting that this missense change does not adversely affect protein function. These predictions have not been confirmed by published functional studies and their clinical significance is uncertain. In summary, the available evidence is currently insufficient to determine the role of this variant in disease. Therefore, it has been classified as a Variant of Uncertain Significance.

Dr. Peter K. Rogan Lab, Western University
No classification provided (evidence only). Condition: Uveal melanoma. Review status: no classification provided. Collection method: in vitro. Allele origin: not applicable. Functional consequence: retained intron. Not counted in ClinVar's aggregate classification.

NM_000049.4(ASPA):c.936A>T (p.Leu312Phe)

Genes: ASPA (aspartoacylase; plus strand), SPATA22 (spermatogenesis associated 22; minus strand). Cytogenetic location: 17p13.2.
Variant type: single nucleotide variant.
Coding change: c.936A>T on transcript NM_000049.4 (MANE Select); coding-DNA position 936, A replaced by T.
Protein change: p.Leu312Phe; replaces leucine 312 with phenylalanine.
Molecular consequence: missense variant. On other transcripts: intron variant (2).
Genome position (GRCh38, 1-based): chr17:3,499,082, A>T. VCF-style: chr17-3499082-A-T. GRCh37 (hg19) VCF-style: chr17-3402376-A-T.
Other names: c.936A>T, p.Leu312Phe (NM_001128085.1); c.-74+14330T>A (NM_001321336.2, NM_001321337.2); short protein forms L312F.
Identifiers: ClinVar variation 1766694 (VCV001766694.7), dbSNP rs778770959, ClinGen allele CA8289071.